The following is an entry in ClinVar:

ClinVar aggregate classification (germline): Uncertain significance. Review status: criteria provided, multiple submitters, no conflicts (2 of 4 stars). 3 submissions from 3 submitters: Uncertain significance (3). Last evaluated 2024-04-18.

Conditions:
Long QT syndrome (LQTS). Identifiers: MedGen C0023976, MeSH D008133, MONDO:0002442. Disease mechanism: loss of function. Inheritance: Various modes of inheritance.
Cardiovascular phenotype. Identifiers: MedGen CN230736.
Long QT syndrome 11 (LQT11). Identifiers: Orphanet 101016, Orphanet 768, MedGen C2678483, MONDO:0012738, OMIM 611820.

Submissions (3):

Ambry Genetics
Classification: Uncertain significance for Cardiovascular phenotype. Last evaluated: 2024-04-18. Review status: criteria provided, single submitter. Criteria: Ambry Variant Classification Scheme 2023. Collection method: clinical testing. Allele origin: germline.
Comment: The p.S3304T variant (also known as c.9910T>A), located in coding exon 41 of the AKAP9 gene, results from a T to A substitution at nucleotide position 9910. The serine at codon 3304 is replaced by threonine, an amino acid with similar properties. This amino acid position is conserved. In addition, this alteration is predicted to be tolerated by in silico analysis. Based on the available evidence, the clinical significance of this variant remains unclear.

Fulgent Genetics
Classification: Uncertain significance for Long QT syndrome 11. Last evaluated: 2021-09-29. Review status: criteria provided, single submitter. Criteria: ACMG Guidelines, 2015. Collection method: clinical testing. Allele origin: unknown.

Labcorp Genetics (formerly Invitae), Labcorp
Classification: Uncertain significance for Long QT syndrome. Last evaluated: 2021-08-24. Review status: criteria provided, single submitter. Criteria: Invitae Variant Classification Sherloc (09022015). Collection method: clinical testing. Allele origin: germline.
Comment: This sequence change replaces serine with threonine at codon 3304 of the AKAP9 protein (p.Ser3304Thr). The serine residue is moderately conserved and there is a small physicochemical difference between serine and threonine. In summary, the available evidence is currently insufficient to determine the role of this variant in disease. Therefore, it has been classified as a Variant of Uncertain Significance. Algorithms developed to predict the effect of missense changes on protein structure and function are either unavailable or do not agree on the potential impact of this missense change (SIFT: "Tolerated"; PolyPhen-2: "Probably Damaging"; Align-GVGD: "Class C0"). This variant has not been reported in the literature in individuals affected with AKAP9-related conditions. This variant is not present in population databases (ExAC no frequency).

NM_005751.5(AKAP9):c.9910T>A (p.Ser3304Thr)

Gene: AKAP9 (A-kinase anchoring protein 9; plus strand). Cytogenetic location: 7q21.2.
Variant type: single nucleotide variant.
Coding change: c.9910T>A on transcript NM_005751.5 (MANE Select); coding-DNA position 9910, T replaced by A.
Protein change: p.Ser3304Thr; replaces serine 3304 with threonine.
Molecular consequence: missense variant.
Genome position (GRCh38, 1-based): chr7:92,096,869, T>A. VCF-style: chr7-92096869-T-A. GRCh37 (hg19) VCF-style: chr7-91726183-T-A.
Other names: c.4555T>A, p.Ser1519Thr (NM_001379277.1); c.9886T>A, p.Ser3296Thr (NM_147185.3); c.9910T>A (NM_005751.4); short protein forms S3296T, S1519T, S3304T.
Identifiers: ClinVar variation 1471062 (VCV001471062.8), dbSNP rs2130900919, ClinGen allele CA368151935.